The following is an entry in ClinVar:

NM_001378778.1(MPDZ):c.3140G>A (p.Arg1047Gln)

Gene: MPDZ (multiple PDZ domain crumbs cell polarity complex component; minus strand). Cytogenetic location: 9p23.
Variant type: single nucleotide variant.
Coding change: c.3140G>A on transcript NM_001378778.1 (MANE Select); coding-DNA position 3140, G replaced by A.
Protein change: p.Arg1047Gln; replaces arginine 1047 with glutamine.
Molecular consequence: missense variant.
Genome position (GRCh38, 1-based): chr9:13,168,480, C>T on the plus strand (G>A on the coding strand, the complement: MPDZ is on the minus strand). VCF-style: chr9-13168480-C-T. GRCh37 (hg19) VCF-style: chr9-13168479-C-T.
Other names: c.3140G>A, p.Arg1047Gln (NM_001375413.1, NM_001375416.1, NM_001375417.1 and 14 more transcripts); c.3140G>A (NM_003829.3); short protein forms R1047Q.
Identifiers: ClinVar variation 2049785 (VCV002049785.5), dbSNP rs1411312916, ClinGen allele CA372933654.

ClinVar aggregate classification (germline): Uncertain significance. Review status: criteria provided, multiple submitters, no conflicts (2 of 4 stars). 2 submissions from 2 submitters: Uncertain significance (2). Last evaluated 2025-02-22.

Conditions:
Inborn genetic diseases. Identifiers: MedGen C0950123, MeSH D030342.

Allele frequency attached by ClinVar (database versions not stated): gnomAD exomes 0.00001; gnomAD 0.00001; TOPMed 0.00002.
gnomAD v4.1: 14 of 1,613,282 alleles (0.00087%); highest among the groups gnomAD compares: African/African-American, 0.0027%; no homozygotes.

Submissions (2):

Ambry Genetics
Classification: Uncertain significance for Inborn genetic diseases. Last evaluated: 2025-02-22. Review status: criteria provided, single submitter. Criteria: Ambry Variant Classification Scheme 2023. Collection method: clinical testing. Allele origin: germline.

Labcorp Genetics (formerly Invitae), Labcorp
Classification: Uncertain significance. Last evaluated: 2022-07-19. Review status: criteria provided, single submitter. Criteria: Invitae Variant Classification Sherloc (09022015). Collection method: clinical testing. Allele origin: germline.
Comment: In summary, the available evidence is currently insufficient to determine the role of this variant in disease. Therefore, it has been classified as a Variant of Uncertain Significance. Algorithms developed to predict the effect of missense changes on protein structure and function are either unavailable or do not agree on the potential impact of this missense change (SIFT: "Deleterious"; PolyPhen-2: "Benign"; Align-GVGD: "Class C35"). This variant has not been reported in the literature in individuals affected with MPDZ-related conditions. This variant is present in population databases (no rsID available, gnomAD 0.007%). This sequence change replaces arginine, which is basic and polar, with glutamine, which is neutral and polar, at codon 1047 of the MPDZ protein (p.Arg1047Gln).